The following is an entry in ClinVar:

ClinVar aggregate classification (germline): Uncertain significance. Review status: criteria provided, multiple submitters, no conflicts (2 of 4 stars). 2 submissions from 2 submitters: Uncertain significance (2). Last evaluated 2025-05-08.

Allele frequency attached by ClinVar (database versions not stated): gnomAD exomes below 0.00001; TOPMed below 0.00001; ExAC 0.00001; gnomAD 0.00001.
gnomAD v4.1: 7 of 1,613,560 alleles (0.00043%); highest among the groups gnomAD compares: Non-Finnish European, 0.00059%; no homozygotes.

Submissions (2):

ARUP Laboratories, Molecular Genetics and Genomics, ARUP Laboratories
Classification: Uncertain significance. Last evaluated: 2025-05-08. Review status: criteria provided, single submitter. Criteria: ARUP Molecular Germline Variant Investigation Process 2024. Collection method: clinical testing. Allele origin: germline.
Comment: The HK1 c.89G>A; p.Arg30Gln variant (rs772637781), to our knowledge, is not reported in the medical literature but is reported in ClinVar (Variation ID: 1943695). This variant is only observed on three alleles in the Genome Aggregation Database (v2.1.1), indicating it is not a common polymorphism. Computational analyses predict that this variant is deleterious (REVEL: 0.715) and may also impact splicing by creating a novel cryptic acceptor splice site. However, given the lack of clinical and functional data, the significance of this variant is uncertain at this time.

Labcorp Genetics (formerly Invitae), Labcorp
Classification: Uncertain significance. Last evaluated: 2024-12-10. Review status: criteria provided, single submitter. Criteria: Invitae Variant Classification Sherloc (09022015). Collection method: clinical testing. Allele origin: germline.
Comment: This sequence change replaces arginine, which is basic and polar, with glutamine, which is neutral and polar, at codon 30 of the HK1 protein (p.Arg30Gln). This variant is present in population databases (rs772637781, gnomAD 0.002%). This variant has not been reported in the literature in individuals affected with HK1-related conditions. ClinVar contains an entry for this variant (Variation ID: 1943695). Invitae Evidence Modeling of protein sequence and biophysical properties (such as structural, functional, and spatial information, amino acid conservation, physicochemical variation, residue mobility, and thermodynamic stability) indicates that this missense variant is not expected to disrupt HK1 protein function with a negative predictive value of 80%. Algorithms developed to predict the effect of sequence changes on RNA splicing suggest that this variant may create or strengthen a splice site. In summary, the available evidence is currently insufficient to determine the role of this variant in disease. Therefore, it has been classified as a Variant of Uncertain Significance.

NM_000188.3(HK1):c.89G>A (p.Arg30Gln)

Gene: HK1 (hexokinase 1; plus strand). Cytogenetic location: 10q22.1.
Variant type: single nucleotide variant.
Coding change: c.89G>A on transcript NM_000188.3 (MANE Select); coding-DNA position 89, G replaced by A.
Protein change: p.Arg30Gln; replaces arginine 30 with glutamine.
Molecular consequence: missense variant.
Genome position (GRCh38, 1-based): chr10:69,343,852, G>A. VCF-style: chr10-69343852-G-A. GRCh37 (hg19) VCF-style: chr10-71103608-G-A.
Other names: c.101G>A, p.Arg34Gln (NM_001322364.2, NM_001358263.1, NM_033497.3 and 1 more transcripts); c.194G>A, p.Arg65Gln (NM_001322365.2); c.5G>A, p.Arg2Gln (NM_001322366.1); c.89G>A, p.Arg30Gln (NM_001322367.1); c.86G>A, p.Arg29Gln (NM_033496.3); c.53G>A, p.Arg18Gln (NM_033500.2); short protein forms R18Q, R29Q, R30Q, R34Q, R2Q, R65Q.
Identifiers: ClinVar variation 1943695 (VCV001943695.6), dbSNP rs772637781, ClinGen allele CA5532242.